The following is an entry in ClinVar:

NM_000875.5(IGF1R):c.3342G>T (p.Gln1114His)

Gene: IGF1R (insulin like growth factor 1 receptor; plus strand). Cytogenetic location: 15q26.3.
Variant type: single nucleotide variant.
Coding change: c.3342G>T on transcript NM_000875.5 (MANE Select); coding-DNA position 3342, G replaced by T.
Protein change: p.Gln1114His; replaces glutamine 1114 with histidine.
Molecular consequence: missense variant.
Genome position (GRCh38, 1-based): chr15:98,939,245, G>T. VCF-style: chr15-98939245-G-T. GRCh37 (hg19) VCF-style: chr15-99482474-G-T.
Other names: c.3339G>T, p.Gln1113His (NM_001291858.2); short protein forms Q1113H, Q1114H.
Identifiers: ClinVar variation 2955102 (VCV002955102.3), dbSNP rs775279275, ClinGen allele CA7752657.

ClinVar aggregate classification (germline): Uncertain significance (1 of 4 stars; one submission).

Allele frequency attached by ClinVar (database versions not stated): ExAC 0.00003.
gnomAD v4.1: 8 of 1,614,046 alleles (0.0005%); highest among the groups gnomAD compares: Admixed American, 0.012%; no homozygotes.

Submission:

Labcorp Genetics (formerly Invitae), Labcorp
Classification: Uncertain significance. Last evaluated: 2024-07-11. Review status: criteria provided, single submitter. Criteria: Invitae Variant Classification Sherloc (09022015). Collection method: clinical testing. Allele origin: germline.
Comment: This sequence change replaces glutamine, which is neutral and polar, with histidine, which is basic and polar, at codon 1114 of the IGF1R protein (p.Gln1114His). This variant is present in population databases (rs775279275, gnomAD 0.03%). This variant has not been reported in the literature in individuals affected with IGF1R-related conditions. Advanced modeling of protein sequence and biophysical properties (such as structural, functional, and spatial information, amino acid conservation, physicochemical variation, residue mobility, and thermodynamic stability) performed at Invitae indicates that this missense variant is expected to disrupt IGF1R protein function with a positive predictive value of 80%. In summary, the available evidence is currently insufficient to determine the role of this variant in disease. Therefore, it has been classified as a Variant of Uncertain Significance.